The following is an entry in ClinVar:

ClinVar aggregate classification (germline): Uncertain significance (1 of 4 stars; one submission).

Allele frequency attached by ClinVar (database versions not stated): gnomAD exomes below 0.00001; TOPMed below 0.00001; ExAC 0.00001; gnomAD 0.00001.
gnomAD v4.1: 9 of 1,613,900 alleles (0.00056%); highest among the groups gnomAD compares: South Asian, 0.0055%; no homozygotes.

Submission:

Labcorp Genetics (formerly Invitae), Labcorp
Classification: Uncertain significance. Last evaluated: 2022-10-05. Review status: criteria provided, single submitter. Criteria: Invitae Variant Classification Sherloc (09022015). Collection method: clinical testing. Allele origin: germline.
Comment: Advanced modeling of protein sequence and biophysical properties (such as structural, functional, and spatial information, amino acid conservation, physicochemical variation, residue mobility, and thermodynamic stability) performed at Invitae indicates that this missense variant is not expected to disrupt TRIM37 protein function. In summary, the available evidence is currently insufficient to determine the role of this variant in disease. Therefore, it has been classified as a Variant of Uncertain Significance. This variant has not been reported in the literature in individuals affected with TRIM37-related conditions. This variant is present in population databases (rs541005891, gnomAD 0.003%). This sequence change replaces arginine, which is basic and polar, with cysteine, which is neutral and slightly polar, at codon 785 of the TRIM37 protein (p.Arg785Cys).

NM_015294.6(TRIM37):c.2353C>T (p.Arg785Cys)

Gene: TRIM37 (tripartite motif containing 37; minus strand). Cytogenetic location: 17q22.
Variant type: single nucleotide variant.
Coding change: c.2353C>T on transcript NM_015294.6 (MANE Select); coding-DNA position 2353, C replaced by T.
Protein change: p.Arg785Cys; replaces arginine 785 with cysteine.
Molecular consequence: missense variant. On other transcripts: non-coding transcript variant (2).
Genome position (GRCh38, 1-based): chr17:59,017,329, G>A on the plus strand (C>T on the coding strand, the complement: TRIM37 is on the minus strand). VCF-style: chr17-59017329-G-A. GRCh37 (hg19) VCF-style: chr17-57094690-G-A.
Other names: c.2353C>T, p.Arg785Cys (NM_001005207.5, NM_001320988.3, NM_001320989.3 and 1 more transcripts); c.2251C>T, p.Arg751Cys (NM_001320987.3, NM_001353082.2); c.1987C>T, p.Arg663Cys (NM_001320990.3); c.1618C>T, p.Arg540Cys (NM_001353083.2); c.1891C>T, p.Arg631Cys (NM_001353085.2); c.2302C>T, p.Arg768Cys (NM_001353086.2); short protein forms R540C, R785C, R751C, R631C, R663C, R768C.
Identifiers: ClinVar variation 2144925 (VCV002144925.4), dbSNP rs541005891, ClinGen allele CA8678078.